The following is an entry in ClinVar:

ClinVar aggregate classification (germline): Likely benign. Review status: criteria provided, multiple submitters, no conflicts (2 of 4 stars). 2 submissions from 2 submitters: Likely benign (2). Last evaluated 2026-01-04.

Conditions:
COL2A1-related disorder. Also called: COL2A1-related condition; COL2A1-related disorders.

Allele frequency attached by ClinVar (database versions not stated): ExAC 0.00001; gnomAD 0.00003 and 0.00004; TOPMed 0.00003.
gnomAD v4.1: 17 of 1,613,136 alleles (0.0011%); highest among the groups gnomAD compares: African/African-American, 0.0067%; no homozygotes.

Submissions (2):

Labcorp Genetics (formerly Invitae), Labcorp
Classification: Likely benign. Last evaluated: 2026-01-04. Review status: criteria provided, single submitter. Criteria: Invitae Variant Classification Sherloc (09022015). Collection method: clinical testing. Allele origin: germline.

PreventionGenetics, part of Exact Sciences
Classification: Likely benign for COL2A1-related condition. Last evaluated: 2025-09-15. Review status: criteria provided, single submitter. Criteria: ACMG Guidelines, 2015. Collection method: clinical testing. Allele origin: germline.
Comment: This variant is classified as likely benign based on ACMG/AMP sequence variant interpretation guidelines (Richards et al. 2015 PMID: 25741868, with internal and published modifications).

NM_001844.5(COL2A1):c.501C>T (p.Pro167=)

Gene: COL2A1 (collagen type II alpha 1 chain; minus strand). Cytogenetic location: 12q13.11.
Variant type: single nucleotide variant.
Coding change: c.501C>T on transcript NM_001844.5 (MANE Select); coding-DNA position 501, C replaced by T.
Protein change: p.Pro167=; no amino-acid change (proline 167 retained).
Molecular consequence: synonymous variant.
Genome position (GRCh38, 1-based): chr12:47,997,636, G>A on the plus strand (C>T on the coding strand, the complement: COL2A1 is on the minus strand). VCF-style: chr12-47997636-G-A. GRCh37 (hg19) VCF-style: chr12-48391419-G-A.
Other names: c.294C>T, p.Pro98= (NM_033150.3); c.501C>T (NM_001844.4).
Identifiers: ClinVar variation 1085029 (VCV001085029.10), dbSNP rs768549401, ClinGen allele CA6535918.